The following is an entry in ClinVar:

ClinVar aggregate classification (germline): Uncertain significance (1 of 4 stars; one submission).

Conditions:
Neuronal ceroid lipofuscinosis. Also called: Neuronal Ceroid Lipofuscinoses. Identifiers: Orphanet 216, Orphanet 79263, MedGen C0027877, MONDO:0016295. Disease mechanism: loss of function.

Allele frequency attached by ClinVar (database versions not stated): TOPMed below 0.00001; gnomAD 0.00001.
gnomAD v4.1: 1 of 1,612,852 alleles (0.000062%); highest among the groups gnomAD compares: Admixed American, 0.0017%; no homozygotes.

Submission:

Labcorp Genetics (formerly Invitae), Labcorp
Classification: Uncertain significance for Neuronal ceroid lipofuscinosis. Last evaluated: 2025-02-03. Review status: criteria provided, single submitter. Criteria: Invitae Variant Classification Sherloc (09022015). Collection method: clinical testing. Allele origin: germline.
Comment: This sequence change replaces proline, which is neutral and non-polar, with threonine, which is neutral and polar, at codon 377 of the CTSD protein (p.Pro377Thr). This variant is not present in population databases (gnomAD no frequency). This variant has not been reported in the literature in individuals affected with CTSD-related conditions. ClinVar contains an entry for this variant (Variation ID: 1897764). An algorithm developed to predict the effect of missense changes on protein structure and function (PolyPhen-2) suggests that this variant is likely to be disruptive. In summary, the available evidence is currently insufficient to determine the role of this variant in disease. Therefore, it has been classified as a Variant of Uncertain Significance.

NM_001909.5(CTSD):c.1129C>A (p.Pro377Thr)

Gene: CTSD (cathepsin D; minus strand). Cytogenetic location: 11p15.5.
Variant type: single nucleotide variant.
Coding change: c.1129C>A on transcript NM_001909.5 (MANE Select); coding-DNA position 1129, C replaced by A.
Protein change: p.Pro377Thr; replaces proline 377 with threonine.
Molecular consequence: missense variant.
Genome position (GRCh38, 1-based): chr11:1,753,613, G>T on the plus strand (C>A on the coding strand, the complement: CTSD is on the minus strand). VCF-style: chr11-1753613-G-T. GRCh37 (hg19) VCF-style: chr11-1774843-G-T.
Other names: short protein forms P377T.
Identifiers: ClinVar variation 1897764 (VCV001897764.4), dbSNP rs1412376424, ClinGen allele CA379092606.